The following is an entry in ClinVar:

NM_000521.4(HEXB):c.1294dup (p.Glu432fs)

Gene: HEXB (hexosaminidase subunit beta; plus strand). Cytogenetic location: 5q13.3.
Variant type: Duplication.
Coding change: c.1294dup on transcript NM_000521.4 (MANE Select); coding-DNA position 1294, one base duplicated (G; older notation c.1294dupG).
Protein change: p.Glu432fs; shifts the reading frame from glutamic acid 432.
Molecular consequence: frameshift variant.
Genome position (GRCh38, 1-based): chr5:74,718,848, G duplicated; the last of 2 consecutive G bases (chr5:74,718,847-74,718,848); duplicating either gives the same sequence. VCF-style (leftmost placement, unchanged base first): chr5-74718846-A-AG. GRCh37 (hg19) VCF-style: chr5-74014671-A-AG.
Other names: c.619dup, p.Glu207fs (NM_001292004.2); c.1294dupG (NM_000521.3, NM_000521.4); short protein forms E207fs, E432fs.
Identifiers: ClinVar variation 851972 (VCV000851972.17), dbSNP rs775920504, ClinGen allele CA3306102.

ClinVar aggregate classification (germline): Pathogenic/Likely pathogenic. Review status: criteria provided, multiple submitters, no conflicts (2 of 4 stars). 7 submissions from 7 submitters: Pathogenic (5); Likely pathogenic (2). Last evaluated 2026-02-04.

Conditions:
Sandhoff disease. Also called: Beta-hexosaminidase-beta-subunit deficiency; GM2 gangliosidosis, type 2; Total hexosaminidase deficiency; Sandhoff-Jatzkewitz-Pilz disease; GM2-GANGLIOSIDOSIS, TYPE II; HEXOSAMINIDASES A AND B DEFICIENCY. Identifiers: Orphanet 796, MedGen C0036161, MONDO:0010006, OMIM 268800.

Submissions (7):

GeneDx
Classification: Pathogenic. Last evaluated: 2026-02-04. Review status: criteria provided, single submitter. Criteria: GeneDx Variant Classification Process June 2021. Collection method: clinical testing. Allele origin: germline. Affected: yes.
Comment: Has not been previously published as pathogenic or benign to our knowledge; Frameshift variant predicted to result in protein truncation or nonsense mediated decay in a gene for which loss of function is a known mechanism of disease

Natera, Inc.
Classification: Likely pathogenic for Sandhoff disease. Last evaluated: 2026-01-23. Review status: criteria provided, single submitter. Criteria: Natera Variant Classification Schema (03/2026). Collection method: clinical testing. Allele origin: germline.
Comment: The c.1294dupG variant in HEXB is a frameshift variant predicted to shift the reading frame beginning at codon 432 and leads to a stop codon 4 codons downstream. This variant is expected to result in nonsense mediated decay, truncation, or a dysfunctional protein product. This variant is rare in the general population with a frequency below the threshold expected for the associated phenotype(s). Given the available evidence, this variant is classified as Likely Pathogenic.

Labcorp Genetics (formerly Invitae), Labcorp
Classification: Pathogenic for Sandhoff disease. Last evaluated: 2025-12-28. Review status: criteria provided, single submitter. Criteria: Invitae Variant Classification Sherloc (09022015). Collection method: clinical testing. Allele origin: germline.
Comment: This sequence change creates a premature translational stop signal (p.Glu432Glyfs*4) in the HEXB gene. It is expected to result in an absent or disrupted protein product. Loss-of-function variants in HEXB are known to be pathogenic (PMID: 7550345, 18758829). This variant is present in population databases (rs775920504, gnomAD 0.01%). This variant has not been reported in the literature in individuals affected with HEXB-related conditions. ClinVar contains an entry for this variant (Variation ID: 851972). Algorithms developed to predict the effect of sequence changes on RNA splicing suggest that this variant may disrupt the consensus splice site. For these reasons, this variant has been classified as Pathogenic.

3billion
Classification: Pathogenic for Sandhoff disease. Last evaluated: 2025-11-25. Review status: criteria provided, single submitter. Criteria: ACMG Guidelines, 2015. Collection method: clinical testing. Allele origin: germline. Affected: yes.
Comment: The variant is observed at an extremely low frequency in the gnomAD v4.1.0 dataset (total allele frequency: <0.001%). Predicted Consequence/Location: Frameshift: predicted to result in a loss or disruption of normal protein function through nonsense-mediated decay (NMD) or protein truncation. Multiple pathogenic variants are reported downstream of the variant. The variant has been reported at least twice as pathogenic with clinical assertions and evidence for the classification (ClinVar ID: VCV000851972 /3billion dataset). Therefore, this variant is classified as Pathogenic according to the recommendation of ACMG/AMP guideline.

Women's Health and Genetics/Laboratory Corporation of America, LabCorp
Classification: Pathogenic for Sandhoff disease. Last evaluated: 2024-09-10. Review status: criteria provided, single submitter. Criteria: LabCorp Variant Classification Summary - May 2015. Collection method: clinical testing. Allele origin: germline.
Comment: Variant summary: HEXB c.1294dupG (p.Glu432GlyfsX4) results in a premature termination codon, predicted to cause a truncation of the encoded protein or absence of the protein due to nonsense mediated decay, which are commonly known mechanisms for disease. The variant allele was found at a frequency of 3.2e-05 in 251418 control chromosomes. To our knowledge, no occurrence of c.1294dupG in individuals affected with Sandhoff Disease and no experimental evidence demonstrating its impact on protein function have been reported. ClinVar contains an entry for this variant (Variation ID: 851972). Based on the evidence outlined above, the variant was classified as pathogenic.

Fulgent Genetics
Classification: Likely pathogenic for Sandhoff disease. Last evaluated: 2024-03-22. Review status: criteria provided, single submitter. Criteria: ACMG Guidelines, 2015. Collection method: clinical testing. Allele origin: germline.

Baylor Genetics
Classification: Pathogenic for Sandhoff disease. Last evaluated: 2023-07-18. Review status: criteria provided, single submitter. Criteria: ACMG Guidelines, 2015. Collection method: clinical testing. Allele origin: unknown.

Literature cited by the submitters: PubMed 7550345 (cited by Labcorp Genetics (formerly Invitae), Labcorp); PubMed 18758829 (cited by Labcorp Genetics (formerly Invitae), Labcorp).